The following is an entry in ClinVar:

ClinVar aggregate classification (germline): Likely benign. Review status: criteria provided, single submitter (1 of 4 stars). 2 submissions from 2 submitters: Likely benign (1). 1 of the submissions does not count toward it. Last evaluated 2025-11-11.

Conditions:
DTNBP1-related disorder. Also called: DTNBP1-related condition.

Submissions (2):

Labcorp Genetics (formerly Invitae), Labcorp
Classification: Likely benign. Last evaluated: 2025-11-11. Review status: criteria provided, single submitter. Criteria: Invitae Variant Classification Sherloc (09022015). Collection method: clinical testing. Allele origin: germline.

PreventionGenetics, part of Exact Sciences
Classification: Likely benign for DTNBP1-related condition. Last evaluated: 2024-03-25. Review status: no assertion criteria provided. Collection method: clinical testing. Allele origin: germline. Not counted in ClinVar's aggregate classification.
Comment: This variant is classified as likely benign based on ACMG/AMP sequence variant interpretation guidelines (Richards et al. 2015 PMID: 25741868, with internal and published modifications).

NM_032122.5(DTNBP1):c.489-4A>C

Gene: DTNBP1 (dystrobrevin binding protein 1; minus strand). Cytogenetic location: 6p22.3.
Variant type: single nucleotide variant.
Coding change: c.489-4A>C on transcript NM_032122.5 (MANE Select); 4 bases into the intron before coding-DNA position 489, A replaced by C.
Molecular consequence: intron variant.
Genome position (GRCh38, 1-based): chr6:15,593,085, T>G on the plus strand (A>C on the coding strand, the complement: DTNBP1 is on the minus strand). VCF-style: chr6-15593085-T-G. GRCh37 (hg19) VCF-style: chr6-15593316-T-G.
Other names: c.384-4A>C (NM_001271669.2); c.438-4A>C (NM_001271668.2); c.246-4A>C (NM_001271667.2); c.489-4A>C (NM_183040.2).
Identifiers: ClinVar variation 3348274 (VCV003348274.2).
Genomic context (GRCh38, chr6:15,593,085, plus strand): 5'-ACTACTTTAAAGTGAAGAATTAACACAAAATTACCTTTGAAGGTTTCAAGTTCCTTCCTG[T>G]AGGAAAAAAAAAAAAAAGACAAGACAATGCAAATTAAAAATCTCCCCAATGAAAACTGTT-3'